The following is an entry in ClinVar:

ClinVar aggregate classification (germline): Likely pathogenic (1 of 4 stars; one submission).

Allele frequency attached by ClinVar (database versions not stated): TOPMed below 0.00001; ExAC 0.00001; gnomAD exomes 0.00001.
gnomAD v4.1: 10 of 1,614,006 alleles (0.00062%); highest among the groups gnomAD compares: East Asian, 0.0067%; no homozygotes.

Submission:

GeneDx
Classification: Likely pathogenic. Last evaluated: 2018-07-25. Review status: criteria provided, single submitter. Criteria: GeneDx Variant Classification (06012015). Collection method: clinical testing. Allele origin: germline. Affected: yes.
Comment: The R4403X variant in the SYNE1 gene has not been reported previously as a pathogenic variant nor as a benign variant, to our knowledge. This variant is predicted to cause loss of normal protein function either through protein truncation or nonsense-mediated mRNA decay. The R4403X variant is observed in 2/17246 (0.0116%) alleles from individuals of East Asian background in large population cohorts (Lek et al., 2016). We interpret R4403X as a likely pathogenic variant.

NM_182961.4(SYNE1):c.13420C>T (p.Arg4474Ter)

Gene: SYNE1 (spectrin repeat containing nuclear envelope protein 1; minus strand). Cytogenetic location: 6q25.2.
Variant type: single nucleotide variant.
Coding change: c.13420C>T on transcript NM_182961.4 (MANE Select); coding-DNA position 13420, C replaced by T.
Protein change: p.Arg4474Ter; replaces arginine 4474 with a stop codon.
Molecular consequence: nonsense.
Genome position (GRCh38, 1-based): chr6:152,331,265, G>A on the plus strand (C>T on the coding strand, the complement: SYNE1 is on the minus strand). VCF-style: chr6-152331265-G-A. GRCh37 (hg19) VCF-style: chr6-152652400-G-A.
Other names: c.13207C>T, p.Arg4403Ter (NM_033071.5); short protein forms R4403*, R4474*.
Identifiers: ClinVar variation 620274 (VCV000620274.1), dbSNP rs773028680, ClinGen allele CA4056179.